The following is an entry in ClinVar:

NM_001407.3(CELSR3):c.845T>C (p.Phe282Ser)

Gene: CELSR3 (cadherin EGF LAG seven-pass G-type receptor 3; minus strand). Cytogenetic location: 3p21.31.
Variant type: single nucleotide variant.
Coding change: c.845T>C on transcript NM_001407.3 (MANE Select); coding-DNA position 845, T replaced by C.
Protein change: p.Phe282Ser; replaces phenylalanine 282 with serine.
Molecular consequence: missense variant.
Genome position (GRCh38, 1-based): chr3:48,661,790, A>G on the plus strand (T>C on the coding strand, the complement: CELSR3 is on the minus strand). VCF-style: chr3-48661790-A-G. GRCh37 (hg19) VCF-style: chr3-48699223-A-G.
Other names: short protein forms F282S.
Identifiers: ClinVar variation 2632988 (VCV002632988.2), dbSNP rs2531621538, ClinGen allele CA352635571.
Genomic context (GRCh38, chr3:48,661,790, plus strand): 5'-GGACGGGCCGGGAGTCCCGGGGGACGCGGCCCGGGGCGCTGCGGGAGGAAGCGGCAGCGG[A>G]AGAGACCCCGGGAGCGCATGCGCTTGGGCGCCGGCTCGGGAGCTGTCCGAGACTCGCGGG-3'
Protein context (NP_001398.2, residues 272-292): APKRMRSRGL[Phe282Ser]RCRFLPQRPG

ClinVar aggregate classification (germline): Uncertain significance. Review status: criteria provided, multiple submitters, no conflicts (2 of 4 stars). 2 submissions from 2 submitters: Uncertain significance (2). Last evaluated 2025-03-07.

Conditions:
CELSR3-related disorder. Also called: CELSR3-related condition.

gnomAD v4.1: 4 of 1,606,170 alleles (0.00025%); highest among the groups gnomAD compares: Non-Finnish European, 0.00025%; no homozygotes.

Submissions (2):

Ambry Genetics
Classification: Uncertain significance. Last evaluated: 2025-03-07. Review status: criteria provided, single submitter. Criteria: Ambry Variant Classification Scheme 2023. Collection method: clinical testing. Allele origin: germline.

PreventionGenetics, part of Exact Sciences
Classification: Uncertain significance for CELSR3-related condition. Last evaluated: 2023-05-11. Review status: criteria provided, single submitter. Criteria: ACMG Guidelines, 2015. Collection method: clinical testing. Allele origin: germline.
Comment: The CELSR3 c.845T>C variant is predicted to result in the amino acid substitution p.Phe282Ser. To our knowledge, this variant has not been reported in the literature or in a large population database, indicating this variant is rare. At this time, the clinical significance of this variant is uncertain due to the absence of conclusive functional and genetic evidence.